The following is an entry in ClinVar:

NM_001374736.1(DST):c.14655A>G (p.Glu4885=)

Gene: DST (dystonin; minus strand). Cytogenetic location: 6p12.1.
Variant type: single nucleotide variant.
Coding change: c.14655A>G on transcript NM_001374736.1 (MANE Select); coding-DNA position 14655, A replaced by G.
Protein change: p.Glu4885=; no amino-acid change (glutamic acid 4885 retained).
Molecular consequence: synonymous variant.
Genome position (GRCh38, 1-based): chr6:56,555,826, T>C on the plus strand (A>G on the coding strand, the complement: DST is on the minus strand). VCF-style: chr6-56555826-T-C. GRCh37 (hg19) VCF-style: chr6-56420624-T-C.
Other names: c.8298A>G, p.Glu2766= (NM_001144769.5); c.7884A>G, p.Glu2628= (NM_001144770.2); c.14655A>G, p.Glu4885= (NM_001374722.1); c.14022A>G, p.Glu4674= (NM_001374729.1); c.7764A>G, p.Glu2588= (NM_001374730.1, NM_001386100.1, NM_183380.4); c.14682A>G, p.Glu4894= (NM_001374734.1); c.6786A>G, p.Glu2262= (NM_015548.5); c.8298A>G (NM_001144769.2).
Identifiers: ClinVar variation 1081036 (VCV001081036.11), dbSNP rs2097404194, ClinGen allele CA450620175.

ClinVar aggregate classification (germline): Likely benign. Review status: criteria provided, single submitter (1 of 4 stars). 2 submissions from 2 submitters: Likely benign (1). 1 of the submissions does not count toward it. Last evaluated 2024-12-16.

Conditions:
Hereditary sensory and autonomic neuropathy type 6. Also called: HSAN VI; Neuropathy, hereditary sensory and autonomic, type VI. Identifiers: Orphanet 314381, MedGen C3539003, MONDO:0013839, OMIM 614653.
Epidermolysis bullosa simplex 3, localized or generalized intermediate, with BP230 deficiency (EBS3). Also called: Epidermolysis bullosa simplex due to BP230 deficiency; Epidermolysis bullosa simplex, autosomal recessive 2. Identifiers: Orphanet 412181, MedGen C3809470, MONDO:0014180, OMIM 615425.
DST-related disorder. Also called: DST-related disorders; DST-related condition.

Allele frequency attached by ClinVar (database versions not stated): gnomAD exomes 0.00001; TOPMed 0.00001.
gnomAD v4.1: 10 of 1,495,674 alleles (0.00067%); highest among the groups gnomAD compares: Middle Eastern, 0.018%; no homozygotes.

Submissions (2):

Labcorp Genetics (formerly Invitae), Labcorp
Classification: Likely benign for Epidermolysis bullosa simplex 3, localized or generalized intermediate, with BP230 deficiency; Hereditary sensory and autonomic neuropathy type 6. Last evaluated: 2024-12-16. Review status: criteria provided, single submitter. Criteria: Invitae Variant Classification Sherloc (09022015). Collection method: clinical testing. Allele origin: germline.

PreventionGenetics, part of Exact Sciences
Classification: Likely benign for DST-related condition. Last evaluated: 2019-09-17. Review status: no assertion criteria provided. Collection method: clinical testing. Allele origin: germline. Not counted in ClinVar's aggregate classification.
Comment: This variant is classified as likely benign based on ACMG/AMP sequence variant interpretation guidelines (Richards et al. 2015 PMID: 25741868, with internal and published modifications).